The following is an entry in ClinVar:

NM_005751.5(AKAP9):c.3538G>A (p.Glu1180Lys)

Gene: AKAP9 (A-kinase anchoring protein 9; plus strand). Cytogenetic location: 7q21.2.
Variant type: single nucleotide variant.
Coding change: c.3538G>A on transcript NM_005751.5 (MANE Select); coding-DNA position 3538, G replaced by A.
Protein change: p.Glu1180Lys; replaces glutamic acid 1180 with lysine.
Molecular consequence: missense variant.
Genome position (GRCh38, 1-based): chr7:92,014,254, G>A. VCF-style: chr7-92014254-G-A. GRCh37 (hg19) VCF-style: chr7-91643568-G-A.
Other names: c.3538G>A, p.Glu1180Lys (NM_147185.3); short protein forms E1180K.
Identifiers: ClinVar variation 1015548 (VCV001015548.11), dbSNP rs1423656714, ClinGen allele CA368126314.
Genomic context (GRCh38, chr7:92,014,254, plus strand): 5'-TCATAGTTCTTAAGTATGTAAATTGAATTTCTTAATCCATTATCTGTTCTATTAGGTGAT[G>A]AAGGAAAGCCTTTACATCTGCTCATTGGAAAACTTCAAAAGGCAGTGTCTGAAGAATGTT-3'
Protein context (NP_005742.4, residues 1170-1190): QTMKTQETGD[Glu1180Lys]GKPLHLLIGK

ClinVar aggregate classification (germline): Uncertain significance. Review status: criteria provided, multiple submitters, no conflicts (2 of 4 stars). 2 submissions from 2 submitters: Uncertain significance (2). Last evaluated 2025-04-13.

Conditions:
Long QT syndrome (LQTS). Identifiers: MedGen C0023976, MeSH D008133, MONDO:0002442. Disease mechanism: loss of function. Inheritance: Various modes of inheritance.
Cardiovascular phenotype. Identifiers: MedGen CN230736.

Allele frequency attached by ClinVar (database versions not stated): TOPMed 0.00001.

Submissions (2):

Labcorp Genetics (formerly Invitae), Labcorp
Classification: Uncertain significance for Long QT syndrome. Last evaluated: 2025-04-13. Review status: criteria provided, single submitter. Criteria: Invitae Variant Classification Sherloc (09022015). Collection method: clinical testing. Allele origin: germline.
Comment: This sequence change replaces glutamic acid, which is acidic and polar, with lysine, which is basic and polar, at codon 1180 of the AKAP9 protein (p.Glu1180Lys). This variant is not present in population databases (gnomAD no frequency). This variant has not been reported in the literature in individuals affected with AKAP9-related conditions. ClinVar contains an entry for this variant (Variation ID: 1015548). An algorithm developed to predict the effect of missense changes on protein structure and function outputs the following: PolyPhen-2: "Benign". The lysine amino acid residue is found in multiple mammalian species, which suggests that this missense change does not adversely affect protein function. In summary, the available evidence is currently insufficient to determine the role of this variant in disease. Therefore, it has been classified as a Variant of Uncertain Significance.

Ambry Genetics
Classification: Uncertain significance for Cardiovascular phenotype. Last evaluated: 2024-08-15. Review status: criteria provided, single submitter. Criteria: Ambry Variant Classification Scheme 2023. Collection method: clinical testing. Allele origin: germline.
Comment: The p.E1180K variant (also known as c.3538G>A), located in coding exon 10 of the AKAP9 gene, results from a G to A substitution at nucleotide position 3538. The glutamic acid at codon 1180 is replaced by lysine, an amino acid with similar properties. This amino acid position is not well conserved in available vertebrate species. In addition, this alteration is predicted to be tolerated by in silico analysis. The evidence for this gene-disease relationship is limited; therefore, the clinical significance of this alteration is unclear.